The following is an entry in ClinVar:

NM_001025603.2(RFX5):c.1510G>A (p.Gly504Ser)

Gene: RFX5 (regulatory factor X5; minus strand). Cytogenetic location: 1q21.3.
Variant type: single nucleotide variant.
Coding change: c.1510G>A on transcript NM_001025603.2 (MANE Select); coding-DNA position 1510, G replaced by A.
Protein change: p.Gly504Ser; replaces glycine 504 with serine.
Molecular consequence: missense variant.
Genome position (GRCh38, 1-based): chr1:151,342,527, C>T on the plus strand (G>A on the coding strand, the complement: RFX5 is on the minus strand). VCF-style: chr1-151342527-C-T. GRCh37 (hg19) VCF-style: chr1-151315003-C-T.
Other names: c.1510G>A, p.Gly504Ser (NM_000449.4, NM_001379412.1, NM_001379413.1 and 5 more transcripts); c.1390G>A, p.Gly464Ser (NM_001379419.1, NM_001379420.1); short protein forms G504S, G464S.
Identifiers: ClinVar variation 640091 (VCV000640091.7), dbSNP rs372047964, ClinGen allele CA1089586.

ClinVar aggregate classification (germline): Uncertain significance. Review status: criteria provided, multiple submitters, no conflicts (2 of 4 stars). 2 submissions from 2 submitters: Uncertain significance (2). Last evaluated 2023-12-21.

Conditions:
MHC class II deficiency. Also called: Bare lymphocyte syndrome 2; BLS, TYPE II. Identifiers: Orphanet 572, MedGen C5447452, MONDO:0008855.

Allele frequency attached by ClinVar (database versions not stated): gnomAD 0.00001; TOPMed 0.00001; ExAC 0.00002; gnomAD exomes 0.00002; ESP Exome Variant Server 0.00008.

Submissions (2):

Blueprint Genetics
Classification: Uncertain significance. Last evaluated: 2023-12-21. Review status: criteria provided, single submitter. Criteria: ACMG Guidelines, 2015. Collection method: clinical testing. Allele origin: germline.

Labcorp Genetics (formerly Invitae), Labcorp
Classification: Uncertain significance for MHC class II deficiency. Last evaluated: 2022-07-14. Review status: criteria provided, single submitter. Criteria: Invitae Variant Classification Sherloc (09022015). Collection method: clinical testing. Allele origin: germline.
Comment: This sequence change replaces glycine, which is neutral and non-polar, with serine, which is neutral and polar, at codon 504 of the RFX5 protein (p.Gly504Ser). This variant is present in population databases (rs372047964, gnomAD 0.004%). This variant has not been reported in the literature in individuals affected with RFX5-related conditions. ClinVar contains an entry for this variant (Variation ID: 640091). Algorithms developed to predict the effect of missense changes on protein structure and function (SIFT, PolyPhen-2, Align-GVGD) all suggest that this variant is likely to be tolerated. In summary, the available evidence is currently insufficient to determine the role of this variant in disease. Therefore, it has been classified as a Variant of Uncertain Significance.